The following is an entry in ClinVar:

NM_014271.4(IL1RAPL1):c.277G>A (p.Gly93Arg)

Gene: IL1RAPL1 (interleukin 1 receptor accessory protein like 1; plus strand). Cytogenetic location: Xp21.3.
Variant type: single nucleotide variant.
Coding change: c.277G>A on transcript NM_014271.4 (MANE Select); coding-DNA position 277, G replaced by A.
Protein change: p.Gly93Arg; replaces glycine 93 with arginine.
Molecular consequence: missense variant.
Genome position (GRCh38, 1-based): chrX:29,283,132, G>A. VCF-style: chrX-29283132-G-A. GRCh37 (hg19) VCF-style: chrX-29301249-G-A.
Other names: short protein forms G93R.
Identifiers: ClinVar variation 3628054 (VCV003628054.2).

ClinVar aggregate classification (germline): Uncertain significance (1 of 4 stars; one submission).

gnomAD v4.1: 3 of 1,209,543 alleles (0.00025%); highest among the groups gnomAD compares: African/African-American, 0.0018%; no homozygotes.

Submission:

Labcorp Genetics (formerly Invitae), Labcorp
Classification: Uncertain significance. Last evaluated: 2024-06-18. Review status: criteria provided, single submitter. Criteria: Invitae Variant Classification Sherloc (09022015). Collection method: clinical testing. Allele origin: germline.
Comment: This sequence change replaces glycine, which is neutral and non-polar, with arginine, which is basic and polar, at codon 93 of the IL1RAPL1 protein (p.Gly93Arg). This variant is not present in population databases (gnomAD no frequency). This variant has not been reported in the literature in individuals affected with IL1RAPL1-related conditions. An algorithm developed to predict the effect of missense changes on protein structure and function (PolyPhen-2) suggests that this variant is likely to be disruptive. In summary, the available evidence is currently insufficient to determine the role of this variant in disease. Therefore, it has been classified as a Variant of Uncertain Significance.